The following is an entry in ClinVar:

ClinVar aggregate classification (germline): Conflicting classifications of pathogenicity. Review status: criteria provided, conflicting classifications (1 of 4 stars). 6 submissions from 5 submitters: Uncertain significance (5); Likely benign (1). Last evaluated 2025-12-08.

Conditions:
Inborn genetic diseases. Identifiers: MedGen C0950123, MeSH D030342.
Amyotrophic lateral sclerosis type 4 (ALS4). Also called: AMYOTROPHIC LATERAL SCLEROSIS 4, JUVENILE; NEURONOPATHY, DISTAL HEREDITARY MOTOR, WITH PYRAMIDAL FEATURES. Identifiers: Orphanet 357043, MedGen C1865409, MONDO:0011223, OMIM 602433.
Spinocerebellar ataxia, autosomal recessive, with axonal neuropathy 2 (SCAN2). Also called: Ataxia with Oculomotor Apraxia; Ataxia-ocular apraxia-2; Ataxia with Oculomotor Apraxia Type 2; ATAXIA-OCULOMOTOR APRAXIA 2. Identifiers: Orphanet 64753, MedGen C1853761, MONDO:0018996, OMIM 606002.

Allele frequency attached by ClinVar (database versions not stated): gnomAD exomes 0.00002; gnomAD 0.00003; TOPMed 0.00003; ExAC 0.00004.
gnomAD v4.1: 35 of 1,613,848 alleles (0.0022%); highest among the groups gnomAD compares: Non-Finnish European, 0.0025%; no homozygotes.

Submissions (6):

Ambry Genetics
Classification: Uncertain significance for Inborn genetic diseases. Last evaluated: 2025-12-08. Review status: criteria provided, single submitter. Criteria: Ambry Variant Classification Scheme 2023. Collection method: clinical testing. Allele origin: germline.

Labcorp Genetics (formerly Invitae), Labcorp
Classification: Likely benign for Amyotrophic lateral sclerosis type 4; Spinocerebellar ataxia, autosomal recessive, with axonal neuropathy 2. Last evaluated: 2025-02-23. Review status: criteria provided, single submitter. Criteria: Invitae Variant Classification Sherloc (09022015). Collection method: clinical testing. Allele origin: germline.

Athena Diagnostics
Classification: Uncertain significance. Last evaluated: 2023-05-17. Review status: criteria provided, single submitter. Criteria: Athena Diagnostics Criteria. Collection method: clinical testing. Allele origin: unknown.
Comment: Available data are insufficient to determine the clinical significance of the variant at this time. The frequency of this variant in the general population is uninformative in assessment of its pathogenicity. Computational tools predict that this variant is damaging.

Genome-Nilou Lab
Classification: Uncertain significance for Spinocerebellar ataxia, autosomal recessive, with axonal neuropathy 2. Last evaluated: 2023-02-08. Review status: criteria provided, single submitter. Criteria: ACMG Guidelines, 2015. Collection method: clinical testing. Allele origin: germline.

Genome-Nilou Lab
Classification: Uncertain significance for Amyotrophic lateral sclerosis type 4. Last evaluated: 2023-02-08. Review status: criteria provided, single submitter. Criteria: ACMG Guidelines, 2015. Collection method: clinical testing. Allele origin: germline.

CeGaT Center for Human Genetics Tuebingen
Classification: Uncertain significance. Last evaluated: 2017-11-01. Review status: criteria provided, single submitter. Criteria: CeGaT Center For Human Genetics Tuebingen Variant Classification Criteria Version 2. Collection method: clinical testing. Allele origin: germline. Affected: yes. Observed: 1 variant allele.

Literature cited by the submitters: PubMed 21190393 (cited by Athena Diagnostics); PubMed 23129421 (cited by Athena Diagnostics); PubMed 21438761 (cited by Athena Diagnostics).

NM_015046.7(SETX):c.6085A>G (p.Lys2029Glu)

Gene: SETX (senataxin; minus strand). Cytogenetic location: 9q34.13.
Variant type: single nucleotide variant.
Coding change: c.6085A>G on transcript NM_015046.7 (MANE Select); coding-DNA position 6085, A replaced by G.
Protein change: p.Lys2029Glu; replaces lysine 2029 with glutamic acid.
Molecular consequence: missense variant.
Genome position (GRCh38, 1-based): chr9:132,295,893, T>C on the plus strand (A>G on the coding strand, the complement: SETX is on the minus strand). VCF-style: chr9-132295893-T-C. GRCh37 (hg19) VCF-style: chr9-135171280-T-C.
Other names: c.6085A>G, p.Lys2029Glu (NM_001351527.2, NM_001351528.2); short protein forms K2029E.
Identifiers: ClinVar variation 493500 (VCV000493500.49), dbSNP rs746525639, ClinGen allele CA5296844.